The following is an entry in ClinVar:

NM_000051.4(ATM):c.3467C>T (p.Thr1156Met)

Gene: ATM (ATM serine/threonine kinase; plus strand). Cytogenetic location: 11q22.3.
Variant type: single nucleotide variant.
Coding change: c.3467C>T on transcript NM_000051.4 (MANE Select); coding-DNA position 3467, C replaced by T.
Protein change: p.Thr1156Met; replaces threonine 1156 with methionine.
Molecular consequence: missense variant.
Genome position (GRCh38, 1-based): chr11:108,281,059, C>T. VCF-style: chr11-108281059-C-T. GRCh37 (hg19) VCF-style: chr11-108151786-C-T.
Other names: c.3467C>T, p.Thr1156Met (NM_001351834.2); short protein forms T1156M.
Identifiers: ClinVar variation 183918 (VCV000183918.29), dbSNP rs759951393, ClinGen allele CA186974.

ClinVar aggregate classification (germline): Conflicting classifications of pathogenicity. Review status: criteria provided, conflicting classifications (1 of 4 stars). 10 submissions from 10 submitters: Uncertain significance (6); Likely benign (3). 1 of the submissions does not count toward it. Last evaluated 2026-02-03.

Conditions:
ATM-related cancer predisposition. Also called: ATM-related cancer susceptibility. Identifiers: MedGen CN377759, MONDO:0700270.
ATM-related disorder. Also called: ATM-related disorders; ATM-related condition.
Hereditary cancer-predisposing syndrome. Also called: Neoplastic Syndromes, Hereditary; Tumor predisposition; Hereditary neoplastic syndrome; Hereditary Cancer Syndrome. Identifiers: Orphanet 140162, MedGen C0027672, MeSH D009386, MONDO:0015356.
Ataxia-telangiectasia syndrome (AT). Also called: Cerebello-oculocutaneous telangiectasia; Immunodeficiency with ataxia telangiectasia; AT, COMPLEMENTATION GROUP C; LOUIS-BAR SYNDROME; Ataxia-telangiectasia, complementation group E; ATAXIA-TELANGIECTASIA, COMPLEMENTATION GROUP A. Identifiers: Orphanet 100, MedGen C0004135, MONDO:0008840, OMIM 208900.
Malignant tumor of breast. Also called: Malignant breast neoplasm; Cancer breast. Identifiers: MedGen C0006142, MONDO:0007254. Disease mechanism: loss of function.

Allele frequency attached by ClinVar (database versions not stated): ExAC 0.00002; gnomAD exomes 0.00002 and 0.00004; TOPMed 0.00002; gnomAD 0.00004.
gnomAD v4.1: 64 of 1,613,390 alleles (0.004%); highest among the groups gnomAD compares: Non-Finnish European, 0.005%; no homozygotes.

Submissions (10):

Dasa
Classification: Uncertain significance for ATM-related cancer predisposition. Last evaluated: 2026-02-03. Review status: criteria provided, single submitter. Criteria: DASA Assertion Criteria. Collection method: clinical testing. Allele origin: germline.
Comment: NM_000051.4(ATM):c.3467C>T (p.Thr1156Met) is a missense variant that results in the substitution of threonine with methionine. This variant is rare in population databases. Computational prediction algorithms are consistent with a benign effect. The currently available literature and clinical evidence are not sufficient to establish a definitive association between this variant and the reported condition. Therefore, this variant is classified as a variant of uncertain significance.

Labcorp Genetics (formerly Invitae), Labcorp
Classification: Uncertain significance for Ataxia-telangiectasia syndrome. Last evaluated: 2026-01-02. Review status: criteria provided, single submitter. Criteria: Invitae Variant Classification Sherloc (09022015). Collection method: clinical testing. Allele origin: germline.
Comment: This sequence change replaces threonine, which is neutral and polar, with methionine, which is neutral and non-polar, at codon 1156 of the ATM protein (p.Thr1156Met). This variant is present in population databases (rs759951393, gnomAD 0.004%). This missense change has been observed in individual(s) with breast cancer and clinical features of ataxia-telangiectasia (PMID: 19781682, 26976419, 38103590). ClinVar contains an entry for this variant (Variation ID: 183918). Invitae Evidence Modeling of protein sequence and biophysical properties (such as structural, functional, and spatial information, amino acid conservation, physicochemical variation, residue mobility, and thermodynamic stability) indicates that this missense variant is not expected to disrupt ATM protein function with a negative predictive value of 95%. In summary, the available evidence is currently insufficient to determine the role of this variant in disease. Therefore, it has been classified as a Variant of Uncertain Significance.

PreventionGenetics, part of Exact Sciences
Classification: Uncertain significance for ATM-related condition. Last evaluated: 2025-12-31. Review status: criteria provided, single submitter. Criteria: ACMG Guidelines, 2015. Collection method: clinical testing. Allele origin: germline.
Comment: The ATM c.3467C>T variant is predicted to result in the amino acid substitution p.Thr1156Met. This variant has been reported alone and along with another ATM variant in individuals with breast cancer (Table S2, Tavtigian et al. 2009. PubMed ID: 19781682; Table A2, Tung et al. 2016. PubMed ID: 26976419). This variant is reported in 0.0046% of alleles in individuals of European (Non-Finnish) descent in gnomAD and has conflicting interpretations regarding its pathogenicity in ClinVar, ranging from uncertain to likely benign (Variation ID: 183918). At this time, the clinical significance of this variant is uncertain due to the absence of conclusive functional and genetic evidence.

Quest Diagnostics Nichols Institute San Juan Capistrano
Classification: Uncertain significance. Last evaluated: 2025-09-04. Review status: criteria provided, single submitter. Criteria: Quest Diagnostics criteria. Collection method: clinical testing. Allele origin: unknown.

Color Diagnostics, LLC DBA Color Health
Classification: Likely benign for Hereditary cancer-predisposing syndrome. Last evaluated: 2024-09-17. Review status: criteria provided, single submitter. Criteria: ACMG Guidelines, 2015. Collection method: clinical testing. Allele origin: germline.

Blueprint Genetics
Classification: Likely benign. Last evaluated: 2024-04-25. Review status: criteria provided, single submitter. Criteria: ACMG Guidelines, 2015. Collection method: clinical testing. Allele origin: germline.

GeneDx
Classification: Uncertain significance. Last evaluated: 2024-03-13. Review status: criteria provided, single submitter. Criteria: GeneDx Variant Classification Process June 2021. Collection method: clinical testing. Allele origin: germline. Affected: yes.
Comment: Observed in individuals with a personal history of breast cancer but also in healthy controls (PMID: 19781682, 26976419, 28779002); Not observed at significant frequency in large population cohorts (gnomAD); In silico analysis supports that this missense variant does not alter protein structure/function; This variant is associated with the following publications: (PMID: 19781682, 21787400, 26976419, 27150160, 28779002, 28652578, 29684080, 30979843)

Women's Health and Genetics/Laboratory Corporation of America, LabCorp
Classification: Uncertain significance. Last evaluated: 2023-11-16. Review status: criteria provided, single submitter. Criteria: LabCorp Variant Classification Summary - May 2015. Collection method: clinical testing. Allele origin: germline.
Comment: Variant summary: ATM c.3467C>T (p.Thr1156Met) results in a non-conservative amino acid change in the encoded protein sequence. Four of five in-silico tools predict a benign effect of the variant on protein function. The variant allele was found at a frequency of 1.6e-05 in 251348 control chromosomes. The available data on variant occurrences in the general population are insufficient to allow any conclusion about variant significance. c.3467C>T has been reported in the literature in individuals affected with Breast Cancer (example, Tavtigian__2009). These report(s) do not provide unequivocal conclusions about association of the variant with ATM-associated Breast Cancer or Ataxia-Telangiectasia. To our knowledge, no experimental evidence demonstrating an impact on protein function has been reported. The following publications have been ascertained in the context of this evaluation (PMID: 19781682, 26976419). Four submitters have cited clinical-significance assessments for this variant to ClinVar after 2014. Multiple submitters reported the variant with conflicting assessments (LB, n=2 VUS, n=2). Based on the evidence outlined above, the variant was classified as uncertain significance.

Ambry Genetics
Classification: Likely benign for Hereditary cancer-predisposing syndrome. Last evaluated: 2018-03-30. Review status: criteria provided, single submitter. Criteria: Ambry Variant Classification Scheme 2023. Collection method: clinical testing. Allele origin: germline.

Department of Pathology and Laboratory Medicine, Sinai Health System
Classification: Uncertain significance for Malignant tumor of breast. Review status: no assertion criteria provided. Collection method: clinical testing. Allele origin: unknown. Affected: yes. Observed: 1 variant allele. Study: The Canadian Open Genetics Repository (COGR). Not counted in ClinVar's aggregate classification.
Comment: The ATM p.Thr1156Met variant was identified in 2 of 6038 proband chromosomes (frequency: 0.0003) from individuals or families with breast cancer and was not identified in 4490 control chromosomes from healthy individuals (Tavtigian 2009, Tung 2016). The variant was also identified in dbSNP (ID: rs759951393) as "With Uncertain significance allele", and in ClinVar (classified as likely benign by Ambry Genetics; as uncertain significance by Invitae and GeneDx). The variant was not identified in LOVD 3.0. The variant was identified in control databases in 5 of 277108 chromosomes at a frequency of 0.00002 (Genome Aggregation Database Feb 27, 2017). The variant was observed in the European population in 5 of 126638 chromosomes (freq: 0.00004), but not in the African, Other, Latino, Ashkenazi Jewish, East Asian, European Finnish, and South Asian populations. The p.Thr1156 residue is not conserved in mammals and four out of five computational analyses (PolyPhen-2, SIFT, AlignGVGD, BLOSUM, MutationTaster) do not suggest a high likelihood of impact to the protein; however, this information is not predictive enough to rule out pathogenicity. The variant occurs outside of the splicing consensus sequence and in silico or computational prediction software programs (SpliceSiteFinder, MaxEntScan, NNSPLICE, GeneSplicer) do not predict a difference in splicing. In summary, based on the above information the clinical significance of this variant cannot be determined with certainty at this time. This variant is classified as a variant of uncertain significance.

Literature cited by the submitters: PubMed 19781682 (cited by Labcorp Genetics (formerly Invitae), Labcorp and Women's Health and Genetics/Laboratory Corporation of America, LabCorp); PubMed 26976419 (cited by Labcorp Genetics (formerly Invitae), Labcorp and Women's Health and Genetics/Laboratory Corporation of America, LabCorp); PubMed 38103590 (cited by Labcorp Genetics (formerly Invitae), Labcorp).